The following is an entry in ClinVar:

ClinVar aggregate classification (germline): Uncertain significance (1 of 4 stars; one submission).

gnomAD v4.1: 11 of 1,610,972 alleles (0.00068%); highest among the groups gnomAD compares: African/African-American, 0.013%; no homozygotes.

Submission:

GeneDx
Classification: Uncertain significance. Last evaluated: 2024-05-20. Review status: criteria provided, single submitter. Criteria: GeneDx Variant Classification Process June 2021. Collection method: clinical testing. Allele origin: germline. Affected: yes.
Comment: In silico analysis supports that this missense variant has a deleterious effect on protein structure/function; Has not been previously published as pathogenic or benign to our knowledge

NM_001129.5(AEBP1):c.2284C>G (p.Leu762Val)

Gene: AEBP1 (AE binding protein 1; plus strand). Cytogenetic location: 7p13.
Variant type: single nucleotide variant.
Coding change: c.2284C>G on transcript NM_001129.5 (MANE Select); coding-DNA position 2284, C replaced by G.
Protein change: p.Leu762Val; replaces leucine 762 with valine.
Molecular consequence: missense variant.
Genome position (GRCh38, 1-based): chr7:44,112,624, C>G. VCF-style: chr7-44112624-C-G. GRCh37 (hg19) VCF-style: chr7-44152223-C-G.
Other names: short protein forms L762V.
Identifiers: ClinVar variation 3381456 (VCV003381456.1).